The following is an entry in ClinVar:

NM_001371279.1(REEP1):c.148del (p.Thr50fs)

Gene: REEP1 (receptor accessory protein 1; minus strand). Cytogenetic location: 2p11.2.
Variant type: Deletion.
Coding change: c.148del on transcript NM_001371279.1 (MANE Select); coding-DNA position 148, one base deleted (A; older notation c.148delA).
Protein change: p.Thr50fs; shifts the reading frame from threonine 50.
Molecular consequence: frameshift variant.
Genome position (GRCh38, 1-based): chr2:86,263,999, T deleted on the plus strand (A on the coding strand, the reverse complement: REEP1 is on the minus strand). VCF-style (leftmost placement, unchanged base first): chr2-86263998-GT-G. GRCh37 (hg19) VCF-style: chr2-86491121-GT-G.
Other names: c.169del, p.Thr57fs (NM_001164730.2); c.67del, p.Thr23fs (NM_001164731.2); c.148del, p.Thr50fs (NM_001164732.2, NM_001371280.1, NM_022912.3); c.148delA, p.Thr50Glnfs (NM_001410855.1, NM_001410856.1); short protein forms T23fs, T50fs, T57fs.
Identifiers: ClinVar variation 1708984 (VCV001708984.2), dbSNP rs2468890649, ClinGen allele CA2580068283.

ClinVar aggregate classification (germline): Likely pathogenic (1 of 4 stars; one submission).

Conditions:
Hereditary spastic paraplegia 31. Also called: SPASTIC PARAPLEGIA 31, AUTOSOMAL DOMINANT. Identifiers: Orphanet 101011, MedGen C1853247, MONDO:0012453, OMIM 610250.

Submission:

MGZ Medical Genetics Center
Classification: Likely pathogenic for Hereditary spastic paraplegia 31. Last evaluated: 2021-11-25. Review status: criteria provided, single submitter. Criteria: ACMG Guidelines, 2015. Collection method: clinical testing. Allele origin: germline. Affected: yes. Observed: 1 variant allele.
Comment: ACMG criteria applied: PVS1, PM2_SUP